The following is an entry in ClinVar:

NM_001042492.3(NF1):c.3783_3787del (p.Phe1261fs)

Gene: NF1 (neurofibromin 1; plus strand). Cytogenetic location: 17q11.2.
Variant type: Deletion.
Coding change: c.3783_3787del on transcript NM_001042492.3 (MANE Select); coding-DNA positions 3783 to 3787, 5 bases deleted (TTCTA; older notation c.3783_3787delTTCTA).
Protein change: p.Phe1261fs; shifts the reading frame from phenylalanine 1261.
Molecular consequence: frameshift variant.
Genome position (GRCh38, 1-based): chr17:31,235,685-31,235,689, TTCTA deleted. VCF-style (leftmost placement, unchanged base first): chr17-31235684-TTTCTA-T. GRCh37 (hg19) VCF-style: chr17-29562702-TTTCTA-T.
Other names: c.3783_3787del, p.Phe1261fs (NM_000267.4); short protein forms F1261fs.
Identifiers: ClinVar variation 4725191 (VCV004725191.1).

ClinVar aggregate classification (germline): Pathogenic (1 of 4 stars; one submission).

Conditions:
Neurofibromatosis, type 1 (NF1). Also called: NEUROFIBROMATOSIS, TYPE I, SOMATIC; VON RECKLINGHAUSEN DISEASE; Peripheral type neurofibromatosis; Neurofibromatosis, type I. Identifiers: Orphanet 636, MedGen C0027831, MONDO:0018975, OMIM 162200. Disease mechanism: loss of function.

Submission:

Labcorp Genetics (formerly Invitae), Labcorp
Classification: Pathogenic for Neurofibromatosis, type 1. Last evaluated: 2025-08-11. Review status: criteria provided, single submitter. Criteria: Invitae Variant Classification Sherloc (09022015). Collection method: clinical testing. Allele origin: germline.
Comment: This sequence change creates a premature translational stop signal (p.Phe1261Leufs*21) in the NF1 gene. It is expected to result in an absent or disrupted protein product. Loss-of-function variants in NF1 are known to be pathogenic (PMID: 10712197, 23913538). This variant is not present in population databases (gnomAD no frequency). This variant has not been reported in the literature in individuals affected with NF1-related conditions. For these reasons, this variant has been classified as Pathogenic.

Literature cited by the submitters: PubMed 10712197; PubMed 23913538.